The following is an entry in ClinVar:

ClinVar aggregate classification (germline): Uncertain significance (1 of 4 stars; one submission).

gnomAD v4.1: 13 of 1,613,942 alleles (0.00081%); highest among the groups gnomAD compares: Non-Finnish European, 0.001%; no homozygotes.

Submission:

Quest Diagnostics Nichols Institute San Juan Capistrano
Classification: Uncertain significance. Last evaluated: 2025-10-15. Review status: criteria provided, single submitter. Criteria: Quest Diagnostics criteria. Collection method: clinical testing. Allele origin: unknown.
Comment: The APOB c.694-3T>C variant has not been reported in individuals with APOB-related conditions in the published literature. The frequency of this variant in the general population (Genome Aggregation Database) is uninformative in the assessment of its pathogenicity. Analysis of this variant using software algorithms for the prediction of the effect of nucleotide changes on splicing yielded predictions that this variant does not affect APOB mRNA splicing. Based on the available information, we are unable to determine the clinical significance of this variant.

NM_000384.3(APOB):c.694-3T>C

Gene: APOB (apolipoprotein B; minus strand). Cytogenetic location: 2p24.1.
Variant type: single nucleotide variant.
Coding change: c.694-3T>C on transcript NM_000384.3 (MANE Select); 3 bases into the intron before coding-DNA position 694, T replaced by C.
Molecular consequence: intron variant.
Genome position (GRCh38, 1-based): chr2:21,035,711, A>G on the plus strand (T>C on the coding strand, the complement: APOB is on the minus strand). VCF-style: chr2-21035711-A-G. GRCh37 (hg19) VCF-style: chr2-21258583-A-G.
Identifiers: ClinVar variation 4532940 (VCV004532940.1).